The following is an entry in ClinVar:

NM_177438.3(DICER1):c.4171A>T (p.Lys1391Ter)

Gene: DICER1 (dicer 1, ribonuclease III; minus strand). Cytogenetic location: 14q32.13.
Variant type: single nucleotide variant.
Coding change: c.4171A>T on transcript NM_177438.3 (MANE Select); coding-DNA position 4171, A replaced by T.
Protein change: p.Lys1391Ter; replaces lysine 1391 with a stop codon.
Molecular consequence: nonsense. On other transcripts: non-coding transcript variant (6).
Genome position (GRCh38, 1-based): chr14:95,099,815, T>A on the plus strand (A>T on the coding strand, the complement: DICER1 is on the minus strand). VCF-style: chr14-95099815-T-A. GRCh37 (hg19) VCF-style: chr14-95566152-T-A.
Other names: c.4171A>T, p.Lys1391Ter (NM_001195573.1, NM_001271282.3, NM_001291628.2 and 12 more transcripts); c.3889A>T, p.Lys1297Ter (NM_001395686.1); c.3766A>T, p.Lys1256Ter (NM_001395687.1, NM_001395688.1, NM_001395689.1 and 2 more transcripts); c.3604A>T, p.Lys1202Ter (NM_001395691.1); c.2488A>T, p.Lys830Ter (NM_001395697.1); short protein forms K1202*, K1256*, K1391*, K830*, K1297*.
Identifiers: ClinVar variation 3658175 (VCV003658175.2).

ClinVar aggregate classification (germline): Pathogenic (1 of 4 stars; one submission).

Conditions:
DICER1-related tumor predisposition. Also called: DICER1-related pleuropulmonary blastoma cancer predisposition syndrome; DICER1 syndrome. Identifiers: Orphanet 284343, MedGen C3839822, MONDO:0100216.

Submission:

Labcorp Genetics (formerly Invitae), Labcorp
Classification: Pathogenic for DICER1-related tumor predisposition. Last evaluated: 2024-09-02. Review status: criteria provided, single submitter. Criteria: Invitae Variant Classification Sherloc (09022015). Collection method: clinical testing. Allele origin: germline.
Comment: This sequence change creates a premature translational stop signal (p.Lys1391*) in the DICER1 gene. It is expected to result in an absent or disrupted protein product. Loss-of-function variants in DICER1 are known to be pathogenic (PMID: 19556464, 21266384). This variant is not present in population databases (gnomAD no frequency). This variant has not been reported in the literature in individuals affected with DICER1-related conditions. For these reasons, this variant has been classified as Pathogenic.

Literature cited by the submitters: PubMed 19556464; PubMed 21266384.